The following is an entry in ClinVar:

ClinVar aggregate classification (germline): Uncertain significance. Review status: criteria provided, multiple submitters, no conflicts (2 of 4 stars). 2 submissions from 2 submitters: Uncertain significance (2). Last evaluated 2022-04-28.

Conditions:
Joubert syndrome 21 (JBTS21). Identifiers: MedGen C3810212, MONDO:0014288, OMIM 615636.
Inborn genetic diseases. Identifiers: MedGen C0950123, MeSH D030342.

Allele frequency attached by ClinVar (database versions not stated): ExAC 0.00001.
gnomAD v4.1: 2 of 1,525,764 alleles (0.00013%); highest among the groups gnomAD compares: East Asian, 0.0023%; no homozygotes.

Submissions (2):

Labcorp Genetics (formerly Invitae), Labcorp
Classification: Uncertain significance for Joubert syndrome 21. Last evaluated: 2022-04-28. Review status: criteria provided, single submitter. Criteria: Invitae Variant Classification Sherloc (09022015). Collection method: clinical testing. Allele origin: germline.
Comment: This sequence change falls in intron 9 of the CSPP1 gene. It does not directly change the encoded amino acid sequence of the CSPP1 protein. It affects a nucleotide within the consensus splice site. This variant is not present in population databases (gnomAD no frequency). This variant has not been reported in the literature in individuals affected with CSPP1-related conditions. Variants that disrupt the consensus splice site are a relatively common cause of aberrant splicing (PMID: 17576681, 9536098). Algorithms developed to predict the effect of sequence changes on RNA splicing suggest that this variant is not likely to affect RNA splicing. In summary, the available evidence is currently insufficient to determine the role of this variant in disease. Therefore, it has been classified as a Variant of Uncertain Significance.

Ambry Genetics
Classification: Uncertain significance for Inborn genetic diseases. Last evaluated: 2021-08-20. Review status: criteria provided, single submitter. Criteria: Ambry Variant Classification Scheme 2023. Collection method: clinical testing. Allele origin: germline.
Comment: The c.1215-3T>C intronic alteration consists of a T to C substitution 3 nucleotides before exon 10 of the CSPP1 gene. Based on insufficient or conflicting evidence, the clinical significance of this alteration remains unclear.

Literature cited by the submitters: PubMed 17576681 (cited by Labcorp Genetics (formerly Invitae), Labcorp); PubMed 9536098 (cited by Labcorp Genetics (formerly Invitae), Labcorp).

NM_001382391.1(CSPP1):c.1188-3T>C

Gene: CSPP1 (centrosome and spindle pole associated protein 1; plus strand). Cytogenetic location: 8q13.2.
Variant type: single nucleotide variant.
Coding change: c.1188-3T>C on transcript NM_001382391.1 (MANE Select); 3 bases into the intron before coding-DNA position 1188, T replaced by C.
Molecular consequence: intron variant.
Genome position (GRCh38, 1-based): chr8:67,113,802, T>C. VCF-style: chr8-67113802-T-C. GRCh37 (hg19) VCF-style: chr8-68026037-T-C.
Other names: c.1188-3T>C (NM_001363132.2); c.1107-3T>C (NM_001363131.2, NM_001363133.2); c.1296-3T>C (NM_001364869.1); c.1215-3T>C (NM_024790.7, NM_001438331.1, NM_001438330.1); c.1116-3T>C (NM_001364870.1); c.951-4446T>C (NM_001438332.1); c.333-3T>C (NM_001291339.2).
Identifiers: ClinVar variation 2162377 (VCV002162377.2), dbSNP rs771296235, ClinGen allele CA4770484.